The following is an entry in ClinVar:

NM_002691.4(POLD1):c.3161T>G (p.Leu1054Arg)

Gene: POLD1 (DNA polymerase delta 1, catalytic subunit; plus strand). Cytogenetic location: 19q13.33.
Variant type: single nucleotide variant.
Coding change: c.3161T>G on transcript NM_002691.4 (MANE Select); coding-DNA position 3161, T replaced by G.
Protein change: p.Leu1054Arg; replaces leucine 1054 with arginine.
Molecular consequence: missense variant. On other transcripts: non-coding transcript variant (1).
Genome position (GRCh38, 1-based): chr19:50,417,212, T>G. VCF-style: chr19-50417212-T-G. GRCh37 (hg19) VCF-style: chr19-50920469-T-G.
Other names: c.3089T>G, p.Leu1030Arg (NM_001438211.1, NM_001438210.1); c.3161T>G, p.Leu1054Arg (NM_001438212.1, NM_001438213.1, NM_001256849.1); c.3239T>G, p.Leu1080Arg (NM_001308632.1); short protein forms L1030R, L1054R, L1080R.
Identifiers: ClinVar variation 5026980 (VCV005026980.1).

ClinVar aggregate classification (germline): Uncertain significance (1 of 4 stars; one submission).

Conditions:
Hereditary cancer-predisposing syndrome. Also called: Neoplastic Syndromes, Hereditary; Tumor predisposition; Hereditary neoplastic syndrome; Hereditary Cancer Syndrome. Identifiers: Orphanet 140162, MedGen C0027672, MeSH D009386, MONDO:0015356.

Submission:

Ambry Genetics
Classification: Uncertain significance for Hereditary cancer-predisposing syndrome. Last evaluated: 2026-06-29. Review status: criteria provided, single submitter. Criteria: Ambry Variant Classification Scheme 2023. Collection method: clinical testing. Allele origin: germline.
Comment: The p.L1054R variant (also known as c.3161T>G), located in coding exon 25 of the POLD1 gene, results from a T to G substitution at nucleotide position 3161. The leucine at codon 1054 is replaced by arginine, an amino acid with dissimilar properties. This amino acid position is conserved. In addition, the in silico prediction for this alteration is inconclusive. Based on the available evidence, the clinical significance of this variant remains unclear.